The following is an entry in ClinVar:

NM_000359.3(TGM1):c.1261A>G (p.Met421Val)

Gene: TGM1 (transglutaminase 1; minus strand). Cytogenetic location: 14q12.
Variant type: single nucleotide variant.
Coding change: c.1261A>G on transcript NM_000359.3 (MANE Select); coding-DNA position 1261, A replaced by G.
Protein change: p.Met421Val; replaces methionine 421 with valine.
Molecular consequence: missense variant.
Genome position (GRCh38, 1-based): chr14:24,258,572, T>C on the plus strand (A>G on the coding strand, the complement: TGM1 is on the minus strand). VCF-style: chr14-24258572-T-C. GRCh37 (hg19) VCF-style: chr14-24727778-T-C.
Other names: short protein forms M421V.
Identifiers: ClinVar variation 556069 (VCV000556069.3), dbSNP rs752670603, ClinGen allele CA389261202.
Genomic context (GRCh38, chr14:24,258,572, plus strand): 5'-ATGGGCAGTCCACCCCAGCTCACCAGACAGAATCATGGTTCAGGTGCTCCAGGGGCTTCA[T>C]GTTCTCGTCGAAGTAGATGTCCATGGTAAGGGATGTGTCTGTGTCGTGGGCGGAGTTGAA-3'
Protein context (NP_000350.1, residues 411-431): LTMDIYFDEN[Met421Val]KPLEHLNHDS

ClinVar aggregate classification (germline): Uncertain significance. Review status: criteria provided, single submitter (1 of 4 stars). 2 submissions from 2 submitters: Uncertain significance (1). 1 of the submissions does not count toward it. Last evaluated 2023-02-03.

Conditions:
Autosomal recessive congenital ichthyosis 1 (LI1). Also called: ICHTHYOSIS, CONGENITAL, AUTOSOMAL RECESSIVE 1, WITH BATHING SUIT DISTRIBUTION; ICHTHYOSIS, CONGENITAL, AUTOSOMAL RECESSIVE 1, WITH OR WITHOUT BATHING SUIT DISTRIBUTION; COLLODION FETUS; DESQUAMATION OF NEWBORN; ICHTHYOSIS CONGENITA; ICHTHYOSIS CONGENITA II. Identifiers: MedGen C4551630, MONDO:0009441, OMIM 242300.

Submissions (2):

GeneDx
Classification: Uncertain significance. Last evaluated: 2023-02-03. Review status: criteria provided, single submitter. Criteria: GeneDx Variant Classification Process June 2021. Collection method: clinical testing. Allele origin: germline. Affected: yes.
Comment: Observed with a pathogenic variant in a patient with ARCI in the published literature, but it is not known whether the variants occurred on the same (in cis) or on different (in trans) TGM1 alleles (Herman et al., 2009); Not observed at significant frequency in large population cohorts (gnomAD); In silico analysis supports that this missense variant does not alter protein structure/function; This variant is associated with the following publications: (PMID: 19241467)

Counsyl
Classification: Uncertain significance for Autosomal recessive congenital ichthyosis 1. Last evaluated: 2018-01-10. Review status: no assertion criteria provided. Collection method: clinical testing. Allele origin: unknown. Not counted in ClinVar's aggregate classification.

Literature cited by the submitters: PubMed 19241467 (cited by Counsyl).